The following is an entry in ClinVar:

NM_007363.5(NONO):c.495A>G (p.Glu165=)

Gene: NONO (non-POU domain containing octamer binding; plus strand). Cytogenetic location: Xq13.1.
Variant type: single nucleotide variant.
Coding change: c.495A>G on transcript NM_007363.5 (MANE Select); coding-DNA position 495, A replaced by G.
Protein change: p.Glu165=; no amino-acid change (glutamic acid 165 retained).
Molecular consequence: synonymous variant.
Genome position (GRCh38, 1-based): chrX:71,294,373, A>G. VCF-style: chrX-71294373-A-G. GRCh37 (hg19) VCF-style: chrX-70514223-A-G.
Other names: c.495A>G, p.Glu165= (NM_001145408.2, NM_001145409.2); c.228A>G, p.Glu76= (NM_001145410.2).
Identifiers: ClinVar variation 4873447 (VCV004873447.2).

ClinVar aggregate classification (germline): Likely benign (1 of 4 stars; one submission).

Submission:

CeGaT Center for Human Genetics Tuebingen
Classification: Likely benign. Last evaluated: 2026-05-01. Review status: criteria provided, single submitter. Criteria: CeGaT Center For Human Genetics Tuebingen Variant Classification Criteria Version 2. Collection method: clinical testing. Allele origin: germline. Affected: yes. Observed: 1 variant allele.
Comment: NONO: PM2:Supporting, BP4, BP7